The following is an entry in ClinVar:

NM_017617.5(NOTCH1):c.7196C>T (p.Pro2399Leu)

Gene: NOTCH1 (notch receptor 1; minus strand). Cytogenetic location: 9q34.3.
Variant type: single nucleotide variant.
Coding change: c.7196C>T on transcript NM_017617.5 (MANE Select); coding-DNA position 7196, C replaced by T.
Protein change: p.Pro2399Leu; replaces proline 2399 with leucine.
Molecular consequence: missense variant.
Genome position (GRCh38, 1-based): chr9:136,496,543, G>A on the plus strand (C>T on the coding strand, the complement: NOTCH1 is on the minus strand). VCF-style: chr9-136496543-G-A. GRCh37 (hg19) VCF-style: chr9-139390995-G-A.
Other names: short protein forms P2399L.
Identifiers: ClinVar variation 3880481 (VCV003880481.2).

ClinVar aggregate classification (germline): Conflicting classifications of pathogenicity. Review status: criteria provided, conflicting classifications (1 of 4 stars). 2 submissions from 2 submitters: Uncertain significance (1); Likely benign (1). Last evaluated 2025-12-31.

Conditions:
Familial thoracic aortic aneurysm and aortic dissection (TAAD). Also called: Thoracic aortic aneurysms and dissections. Identifiers: Orphanet 91387, MedGen C4707243, MONDO:0019625.
Adams-Oliver syndrome 5 (AOS5). Identifiers: Orphanet 974, MedGen C4014970, MONDO:0014459, OMIM 616028.

gnomAD v4.1: 7 of 1,608,750 alleles (0.00044%); highest among the groups gnomAD compares: South Asian, 0.0022%; no homozygotes.

Submissions (2):

Labcorp Genetics (formerly Invitae), Labcorp
Classification: Likely benign for Adams-Oliver syndrome 5. Last evaluated: 2025-12-31. Review status: criteria provided, single submitter. Criteria: Invitae Variant Classification Sherloc (09022015). Collection method: clinical testing. Allele origin: germline.

Ambry Genetics
Classification: Uncertain significance for Familial thoracic aortic aneurysm and aortic dissection. Last evaluated: 2025-01-16. Review status: criteria provided, single submitter. Criteria: Ambry Variant Classification Scheme 2023. Collection method: clinical testing. Allele origin: germline.
Comment: The p.P2399L variant (also known as c.7196C>T), located in coding exon 34 of the NOTCH1 gene, results from a C to T substitution at nucleotide position 7196. The proline at codon 2399 is replaced by leucine, an amino acid with similar properties. This amino acid position is conserved. In addition, this alteration is predicted to be tolerated by in silico analysis. Based on the available evidence, the clinical significance of this variant remains unclear.